The following is an entry in ClinVar:

NM_001172303.3(MASTL):c.1870G>A (p.Glu624Lys)

Gene: MASTL (microtubule associated serine/threonine kinase like; plus strand). Cytogenetic location: 10p12.1.
Variant type: single nucleotide variant.
Coding change: c.1870G>A on transcript NM_001172303.3 (MANE Select); coding-DNA position 1870, G replaced by A.
Protein change: p.Glu624Lys; replaces glutamic acid 624 with lysine.
Molecular consequence: missense variant. On other transcripts: non-coding transcript variant (1).
Genome position (GRCh38, 1-based): chr10:27,170,829, G>A. VCF-style: chr10-27170829-G-A. GRCh37 (hg19) VCF-style: chr10-27459758-G-A.
Other names: c.1870G>A, p.Glu624Lys (NM_001172304.3, NM_001320756.2, NM_001320757.2 and 1 more transcripts); c.1387G>A, p.Glu463Lys (NM_001372029.1, NM_001372030.1); c.1870G>A (NM_032844.4); short protein forms E624K, E463K.
Identifiers: ClinVar variation 3123888 (VCV003123888.2), dbSNP rs556333741, ClinGen allele CA204456227.

ClinVar aggregate classification (germline): Uncertain significance. Review status: criteria provided, multiple submitters, no conflicts (2 of 4 stars). 2 submissions from 2 submitters: Uncertain significance (2). Last evaluated 2025-07-16.

Conditions:
MASTL-related disorder. Also called: MASTL-related condition.

Allele frequency attached by ClinVar (database versions not stated): gnomAD exomes 0.00001; gnomAD 0.00004; TOPMed 0.00004.
gnomAD v4.1: 20 of 1,614,134 alleles (0.0012%); highest among the groups gnomAD compares: African/African-American, 0.011%; no homozygotes.

Submissions (2):

PreventionGenetics, part of Exact Sciences
Classification: Uncertain significance for MASTL-related condition. Last evaluated: 2025-07-16. Review status: criteria provided, single submitter. Criteria: ACMG Guidelines, 2015. Collection method: clinical testing. Allele origin: germline.
Comment: The MASTL c.1870G>A variant is predicted to result in the amino acid substitution p.Glu624Lys. To our knowledge, this variant has not been reported in the literature. This variant is reported in 0.018% of alleles in individuals of African descent in gnomAD. At this time, the clinical significance of this variant is uncertain due to the absence of conclusive functional and genetic evidence.

Ambry Genetics
Classification: Uncertain significance. Last evaluated: 2024-01-30. Review status: criteria provided, single submitter. Criteria: Ambry Variant Classification Scheme 2023. Collection method: clinical testing. Allele origin: germline.